The following is an entry in ClinVar:

NM_001366722.1(GRIP1):c.1452G>T (p.Gly484=)

Gene: GRIP1 (glutamate receptor interacting protein 1; minus strand). Cytogenetic location: 12q14.3.
Variant type: single nucleotide variant.
Coding change: c.1452G>T on transcript NM_001366722.1 (MANE Select); coding-DNA position 1452, G replaced by T.
Protein change: p.Gly484=; no amino-acid change (glycine 484 retained).
Molecular consequence: synonymous variant.
Genome position (GRCh38, 1-based): chr12:66,445,411, C>A on the plus strand (G>T on the coding strand, the complement: GRIP1 is on the minus strand). VCF-style: chr12-66445411-C-A. GRCh37 (hg19) VCF-style: chr12-66839191-C-A.
Other names: c.1296G>T (NM_021150.3); c.1296G>T, p.Gly432= (NM_001178074.2, NM_001379351.1, NM_021150.4); c.1371G>T, p.Gly457= (NM_001366723.1, NM_001379348.1); c.1374G>T, p.Gly458= (NM_001366724.1, NM_001379347.1); c.1530G>T, p.Gly510= (NM_001379345.1); c.1452G>T, p.Gly484= (NM_001379346.1); c.1299G>T, p.Gly433= (NM_001379349.1).
Identifiers: ClinVar variation 2887203 (VCV002887203.5), dbSNP rs1383006672, ClinGen allele CA480573272.

ClinVar aggregate classification (germline): Likely benign. Review status: criteria provided, single submitter (1 of 4 stars). 2 submissions from 2 submitters: Likely benign (1). 1 of the submissions does not count toward it. Last evaluated 2023-11-05.

Conditions:
GRIP1-related disorder. Also called: GRIP1-related condition.

Allele frequency attached by ClinVar (database versions not stated): TOPMed 0.00001; gnomAD exomes 0.00003.
gnomAD v4.1: 40 of 1,614,130 alleles (0.0025%); highest among the groups gnomAD compares: Middle Eastern, 0.017%; no homozygotes.

Submissions (2):

Labcorp Genetics (formerly Invitae), Labcorp
Classification: Likely benign. Last evaluated: 2023-11-05. Review status: criteria provided, single submitter. Criteria: Invitae Variant Classification Sherloc (09022015). Collection method: clinical testing. Allele origin: germline.

PreventionGenetics, part of Exact Sciences
Classification: Likely benign for GRIP1-related condition. Last evaluated: 2021-04-15. Review status: no assertion criteria provided. Collection method: clinical testing. Allele origin: germline. Not counted in ClinVar's aggregate classification.
Comment: This variant is classified as likely benign based on ACMG/AMP sequence variant interpretation guidelines (Richards et al. 2015 PMID: 25741868, with internal and published modifications).